The following is an entry in ClinVar:

ClinVar aggregate classification (germline): Conflicting classifications of pathogenicity. Review status: criteria provided, conflicting classifications (1 of 4 stars). 3 submissions from 2 submitters: Uncertain significance (1); Benign (1); Likely benign (1). Last evaluated 2025-10-22.

Conditions:
Hereditary spherocytosis type 1. Also called: Spherocytosis type 1; ANK1-Related Spherocytosis. Identifiers: Orphanet 822, MedGen C2674218, MONDO:0008447, OMIM 182900.
Spherocytosis. Identifiers: MedGen C0553720, HP:0004444.

Allele frequency attached by ClinVar (database versions not stated): gnomAD exomes 0.00004 and 0.00018; TOPMed 0.00009; gnomAD 0.00010 and 0.00011; ExAC 0.00017.
gnomAD v4.1: 84 of 1,613,530 alleles (0.0052%); highest among the groups gnomAD compares: East Asian, 0.17%; no homozygotes.

Submissions (3):

Labcorp Genetics (formerly Invitae), Labcorp
Classification: Benign. Last evaluated: 2025-10-22. Review status: criteria provided, single submitter. Criteria: Invitae Variant Classification Sherloc (09022015). Collection method: clinical testing. Allele origin: germline.

Illumina Laboratory Services, Illumina
Classification: Likely benign for Hereditary spherocytosis type 1. Last evaluated: 2018-01-12. Review status: criteria provided, single submitter. Criteria: ICSL Variant Classification Criteria 13 December 2019. Collection method: clinical testing. Allele origin: germline.
Comment: This variant was observed in the ICSL laboratory as part of a predisposition screen in an ostensibly healthy population. It had not been previously curated by ICSL or reported in the Human Gene Mutation Database (HGMD: prior to June 1st, 2018), and was therefore a candidate for classification through an automated scoring system. Utilizing variant allele frequency, disease prevalence and penetrance estimates, and inheritance mode, an automated score was calculated to assess if this variant is too frequent to cause the disease. Based on the score and internal cut-off values, a variant classified as likely benign is not then subjected to further curation. The score for this variant resulted in a classification of likely benign for this disease.

Illumina Laboratory Services, Illumina
Classification: Uncertain significance for Spherocytosis. Last evaluated: 2018-01-12. Review status: criteria provided, single submitter. Criteria: ICSL Variant Classification Criteria 13 December 2019. Collection method: clinical testing. Allele origin: germline.

NM_000037.4(ANK1):c.3570A>C (p.Gly1190=)

Gene: ANK1 (ankyrin 1; minus strand). Cytogenetic location: 8p11.21.
Variant type: single nucleotide variant.
Coding change: c.3570A>C on transcript NM_000037.4 (MANE Select); coding-DNA position 3570, A replaced by C.
Protein change: p.Gly1190=; no amino-acid change (glycine 1190 retained).
Molecular consequence: synonymous variant.
Genome position (GRCh38, 1-based): chr8:41,693,164, T>G on the plus strand (A>C on the coding strand, the complement: ANK1 is on the minus strand). VCF-style: chr8-41693164-T-G. GRCh37 (hg19) VCF-style: chr8-41550682-T-G.
Other names: c.3693A>C, p.Gly1231= (NM_001142446.2); c.3570A>C, p.Gly1190= (NM_020475.3, NM_020476.3, NM_020477.3).
Identifiers: ClinVar variation 764877 (VCV000764877.9), dbSNP rs762382303, ClinGen allele CA4727836.